The following is an entry in ClinVar:

NM_025193.4(HSD3B7):c.423C>A (p.Pro141=)

Gene: HSD3B7 (hydroxy-delta-5-steroid dehydrogenase, 3 beta- and steroid delta-isomerase 7; plus strand). Cytogenetic location: 16p11.2.
Variant type: single nucleotide variant.
Coding change: c.423C>A on transcript NM_025193.4 (MANE Select); coding-DNA position 423, C replaced by A.
Protein change: p.Pro141=; no amino-acid change (proline 141 retained).
Molecular consequence: synonymous variant.
Genome position (GRCh38, 1-based): chr16:30,986,523, C>A. VCF-style: chr16-30986523-C-A. GRCh37 (hg19) VCF-style: chr16-30997844-C-A.
Other names: c.423C>A, p.Pro141= (NM_001142777.2, NM_001142778.2).
Identifiers: ClinVar variation 3029630 (VCV003029630.2), dbSNP rs199732996, ClinGen allele CA8017986.

ClinVar aggregate classification (germline): Likely benign (0 of 4 stars; one submission).

Conditions:
HSD3B7-related disorder. Also called: HSD3B7-related condition.

Allele frequency attached by ClinVar (database versions not stated): ExAC 0.00002; gnomAD exomes 0.00002.
gnomAD v4.1: 44 of 1,613,680 alleles (0.0027%); highest among the groups gnomAD compares: Admixed American, 0.047%; no homozygotes.

Submission:

PreventionGenetics, part of Exact Sciences
Classification: Likely benign for HSD3B7-related condition. Last evaluated: 2023-12-04. Review status: no assertion criteria provided. Collection method: clinical testing. Allele origin: germline.
Comment: This variant is classified as likely benign based on ACMG/AMP sequence variant interpretation guidelines (Richards et al. 2015 PMID: 25741868, with internal and published modifications).